The following is an entry in ClinVar:

ClinVar aggregate classification (germline): Likely benign (1 of 4 stars; one submission).

Allele frequency attached by ClinVar (database versions not stated): TOPMed 0.00018; 1000 Genomes Project 30x 0.00031; 1000 Genomes Project 0.00040.

Submission:

GeneDx
Classification: Likely benign. Last evaluated: 2016-04-21. Review status: criteria provided, single submitter. Criteria: GeneDx Variant Classification (06012015). Collection method: clinical testing. Allele origin: germline. Affected: yes.
Comment: This variant is considered likely benign or benign based on one or more of the following criteria: it is a conservative change, it occurs at a poorly conserved position in the protein, it is predicted to be benign by multiple in silico algorithms, and/or has population frequency not consistent with disease.

NM_000814.5(GABRB3):c.-806G>C

Gene: GABRB3 (gamma-aminobutyric acid type A receptor subunit beta3; minus strand). Cytogenetic location: 15q12.
Variant type: single nucleotide variant.
Coding change: c.-806G>C on transcript NM_000814.5; 806 bases upstream of the start codon, G replaced by C.
Genome position (GRCh38, 1-based): chr15:26,773,768, C>G on the plus strand (G>C on the coding strand, the complement: GABRB3 is on the minus strand). VCF-style: chr15-26773768-C-G. GRCh37 (hg19) VCF-style: chr15-27018915-C-G.
Identifiers: ClinVar variation 385464 (VCV000385464.4), dbSNP rs372201190, ClinGen allele CA7437631.
Genomic context (GRCh38, chr15:26,773,768, plus strand): 5'-AGGAGCCCGGAGCACATGGCGCTGTTCCTCCGGCCTAACCTGCTGGGATCCGCTCTCCCC[C>G]CTACTCTCCGAGCAGCCAAACGGCGACGCAGGGATCCCCGCCCCTACCCCCACCCCCACC-3'